The following is an entry in ClinVar:

ClinVar aggregate classification (germline): Uncertain significance (1 of 4 stars; one submission).

Allele frequency attached by ClinVar (database versions not stated): gnomAD exomes below 0.00001; TOPMed below 0.00001.
gnomAD v4.1: 2 of 1,613,584 alleles (0.00012%); highest among the groups gnomAD compares: Non-Finnish European, 0.00017%; no homozygotes.

Submission:

Labcorp Genetics (formerly Invitae), Labcorp
Classification: Uncertain significance. Last evaluated: 2021-09-24. Review status: criteria provided, single submitter. Criteria: Invitae Variant Classification Sherloc (09022015). Collection method: clinical testing. Allele origin: germline.
Comment: This sequence change replaces aspartic acid with glycine at codon 1124 of the ABCA4 protein (p.Asp1124Gly). The aspartic acid residue is highly conserved and there is a moderate physicochemical difference between aspartic acid and glycine. This variant is not present in population databases (ExAC no frequency). This variant has not been reported in the literature in individuals with ABCA4-related conditions. Advanced modeling of protein sequence and biophysical properties (such as structural, functional, and spatial information, amino acid conservation, physicochemical variation, residue mobility, and thermodynamic stability) performed at Invitae indicates that this missense variant is expected to disrupt ABCA4 protein function. In summary, the available evidence is currently insufficient to determine the role of this variant in disease. Therefore, it has been classified as a Variant of Uncertain Significance.

NM_000350.3(ABCA4):c.3371A>G (p.Asp1124Gly)

Gene: ABCA4 (ATP binding cassette subfamily A member 4; minus strand). Cytogenetic location: 1p22.1.
Variant type: single nucleotide variant.
Coding change: c.3371A>G on transcript NM_000350.3 (MANE Select); coding-DNA position 3371, A replaced by G.
Protein change: p.Asp1124Gly; replaces aspartic acid 1124 with glycine.
Molecular consequence: missense variant.
Genome position (GRCh38, 1-based): chr1:94,041,360, T>C on the plus strand (A>G on the coding strand, the complement: ABCA4 is on the minus strand). VCF-style: chr1-94041360-T-C. GRCh37 (hg19) VCF-style: chr1-94506916-T-C.
Other names: c.3149A>G, p.Asp1050Gly (NM_001425324.1); short protein forms D1124G, D1050G.
Identifiers: ClinVar variation 1473364 (VCV001473364.5), dbSNP rs1660481445, ClinGen allele CA341291184.
Genomic context (GRCh38, chr1:94,041,360, plus strand): 5'-GGGGTGCCTGAGCAGTAGAGCCTTCCCTGGGCAATGATGGCAATGCGGTCCCCAAGGAGG[T>C]CGGCCTCGTCCATGTGGTGAGTGGACATGATGATGGTTCTGCCTGCAAGGTAGGGGCCAG-3'
Protein context (NP_000341.2, residues 1114-1134): IMSTHHMDEA[Asp1124Gly]LLGDRIAIIA